The following is an entry in ClinVar:

NM_004562.3(PRKN):c.*2217G>A

Gene: PRKN (parkin RBR E3 ubiquitin protein ligase; minus strand). Cytogenetic location: 6q26.
Variant type: single nucleotide variant.
Coding change: c.*2217G>A on transcript NM_004562.3 (MANE Select); 2217 bases downstream of the stop codon, G replaced by A.
Molecular consequence: 3 prime UTR variant.
Genome position (GRCh38, 1-based): chr6:161,347,882, C>T on the plus strand (G>A on the coding strand, the complement: PRKN is on the minus strand). VCF-style: chr6-161347882-C-T. GRCh37 (hg19) VCF-style: chr6-161768914-C-T.
Other names: c.*2217G>A (NM_013987.3, NM_013988.3).
Identifiers: ClinVar variation 355987 (VCV000355987.5), dbSNP rs138660139, ClinGen allele CA10621733.

ClinVar aggregate classification (germline): Likely benign (1 of 4 stars; one submission).

Conditions:
Autosomal recessive juvenile Parkinson disease 2. Also called: PARKINSON DISEASE, JUVENILE, AUTOSOMAL RECESSIVE; Parkinson disease autosomal recessive, early onset; Juvenile parkinsonism; Parkinsonism, early onset, with diurnal fluctuation; PRKN-Related Early-Onset Parkinson Disease; Parkinson disease, juvenile, type 2. Identifiers: Orphanet 2828, MedGen C1868675, MONDO:0010820, OMIM 600116.

Allele frequency attached by ClinVar (database versions not stated): gnomAD exomes 0.00056; gnomAD 0.00643 and 0.00678; TOPMed 0.00694; 1000 Genomes Project 30x 0.00734; 1000 Genomes Project 0.00739.
gnomAD v4.1: 968 of 155,892 alleles (0.62%); highest among the groups gnomAD compares: African/African-American, 2.2%; 8 homozygotes.

Submission:

Illumina Laboratory Services, Illumina
Classification: Likely benign for Autosomal recessive juvenile Parkinson disease 2. Last evaluated: 2018-01-13. Review status: criteria provided, single submitter. Criteria: ICSL Variant Classification Criteria 13 December 2019. Collection method: clinical testing. Allele origin: germline.
Comment: This variant was observed in the ICSL laboratory as part of a predisposition screen in an ostensibly healthy population. It had not been previously curated by ICSL or reported in the Human Gene Mutation Database (HGMD: prior to June 1st, 2018), and was therefore a candidate for classification through an automated scoring system. Utilizing variant allele frequency, disease prevalence and penetrance estimates, and inheritance mode, an automated score was calculated to assess if this variant is too frequent to cause the disease. Based on the score and internal cut-off values, a variant classified as likely benign is not then subjected to further curation. The score for this variant resulted in a classification of likely benign for this disease.